The following is an entry in ClinVar:

NM_006371.5(CRTAP):c.1005G>C (p.Leu335=)

Gene: CRTAP (cartilage associated protein; plus strand). Cytogenetic location: 3p22.3.
Variant type: single nucleotide variant.
Coding change: c.1005G>C on transcript NM_006371.5 (MANE Select); coding-DNA position 1005, G replaced by C.
Protein change: p.Leu335=; no amino-acid change (leucine 335 retained).
Molecular consequence: synonymous variant.
Genome position (GRCh38, 1-based): chr3:33,132,637, G>C. VCF-style: chr3-33132637-G-C. GRCh37 (hg19) VCF-style: chr3-33174129-G-C.
Other names: c.1005G>C, p.Leu335= (NM_001393363.1); c.876G>C, p.Leu292= (NM_001393364.1); c.855G>C, p.Leu285= (NM_001393365.1).
Identifiers: ClinVar variation 2742004 (VCV002742004.4), dbSNP rs1170836959, ClinGen allele CA432952448.

ClinVar aggregate classification (germline): Conflicting classifications of pathogenicity. Review status: criteria provided, conflicting classifications (1 of 4 stars). 2 submissions from 2 submitters: Uncertain significance (1); Likely benign (1). Last evaluated 2025-10-07.

Conditions:
Osteogenesis imperfecta type 7 (OI7). Also called: OSTEOGENESIS IMPERFECTA, TYPE IIB; Osteogenesis imperfecta type 2B; OI type 2B; Osteogenesis imperfecta, perinatal lethal autosomal recessive; OI type IIB; OI type 7. Identifiers: MedGen C1853162, MONDO:0012536, OMIM 610682.

Allele frequency attached by ClinVar (database versions not stated): TOPMed below 0.00001.
gnomAD v4.1: 3 of 1,614,172 alleles (0.00019%); highest among the groups gnomAD compares: African/African-American, 0.0027%; no homozygotes.

Submissions (2):

Labcorp Genetics (formerly Invitae), Labcorp
Classification: Likely benign for Osteogenesis imperfecta type 7. Last evaluated: 2025-10-07. Review status: criteria provided, single submitter. Criteria: Invitae Variant Classification Sherloc (09022015). Collection method: clinical testing. Allele origin: germline.

GeneDx
Classification: Uncertain significance. Last evaluated: 2025-04-03. Review status: criteria provided, single submitter. Criteria: GeneDx Variant Classification Process June 2021. Collection method: clinical testing. Allele origin: germline. Affected: yes.
Comment: Not observed at significant frequency in large population cohorts (gnomAD); In silico analysis indicates that this variant does not alter splicing; Has not been previously published as pathogenic or benign to our knowledge